The following is an entry in ClinVar:

NM_004304.5(ALK):c.4724G>A (p.Arg1575His)

Gene: ALK (ALK receptor tyrosine kinase; minus strand). Cytogenetic location: 2p23.2.
Variant type: single nucleotide variant.
Coding change: c.4724G>A on transcript NM_004304.5 (MANE Select); coding-DNA position 4724, G replaced by A.
Protein change: p.Arg1575His; replaces arginine 1575 with histidine.
Molecular consequence: missense variant.
Genome position (GRCh38, 1-based): chr2:29,193,363, C>T on the plus strand (G>A on the coding strand, the complement: ALK is on the minus strand). VCF-style: chr2-29193363-C-T. GRCh37 (hg19) VCF-style: chr2-29416229-C-T.
Other names: c.1520G>A, p.Arg507His (NM_001353765.2); short protein forms R1575H, R507H.
Identifiers: ClinVar variation 579141 (VCV000579141.11), dbSNP rs745349865, ClinGen allele CA1593503.

ClinVar aggregate classification (germline): Uncertain significance. Review status: criteria provided, multiple submitters, no conflicts (2 of 4 stars). 3 submissions from 3 submitters: Uncertain significance (3). Last evaluated 2025-09-27.

Conditions:
Neuroblastoma, susceptibility to, 3. Also called: ALK-Related Neuroblastic Tumor Susceptibility. Identifiers: Orphanet 635, MedGen C2751681, MONDO:0013083, OMIM 613014.
Hereditary cancer-predisposing syndrome. Also called: Hereditary neoplastic syndrome; Tumor predisposition; Hereditary Cancer Syndrome; Neoplastic Syndromes, Hereditary. Identifiers: Orphanet 140162, MedGen C0027672, MeSH D009386, MONDO:0015356.

Allele frequency attached by ClinVar (database versions not stated): TOPMed below 0.00001; gnomAD 0.00001.
gnomAD v4.1: 9 of 1,614,046 alleles (0.00056%); highest among the groups gnomAD compares: Non-Finnish European, 0.00076%; no homozygotes.

Submissions (3):

Labcorp Genetics (formerly Invitae), Labcorp
Classification: Uncertain significance for Neuroblastoma, susceptibility to, 3. Last evaluated: 2025-09-27. Review status: criteria provided, single submitter. Criteria: Invitae Variant Classification Sherloc (09022015). Collection method: clinical testing. Allele origin: germline.
Comment: This sequence change replaces arginine, which is basic and polar, with histidine, which is basic and polar, at codon 1575 of the ALK protein (p.Arg1575His). This variant is present in population databases (rs745349865, gnomAD 0.004%). This variant has not been reported in the literature in individuals affected with ALK-related conditions. ClinVar contains an entry for this variant (Variation ID: 579141). An algorithm developed to predict the effect of missense changes on protein structure and function (PolyPhen-2) suggests that this variant is likely to be disruptive. In summary, the available evidence is currently insufficient to determine the role of this variant in disease. Therefore, it has been classified as a Variant of Uncertain Significance.

Ambry Genetics
Classification: Uncertain significance for Hereditary cancer-predisposing syndrome. Last evaluated: 2025-02-14. Review status: criteria provided, single submitter. Criteria: Ambry Variant Classification Scheme 2023. Collection method: clinical testing. Allele origin: germline.
Comment: The p.R1575H variant (also known as c.4724G>A), located in coding exon 29 of the ALK gene, results from a G to A substitution at nucleotide position 4724. The arginine at codon 1575 is replaced by histidine, an amino acid with highly similar properties. This amino acid position is highly conserved in available vertebrate species. In addition, this alteration is predicted to be tolerated by in silico analysis. Based on the available evidence, the clinical significance of this variant remains unclear.

Baylor Genetics
Classification: Uncertain significance for Neuroblastoma, susceptibility to, 3. Last evaluated: 2023-11-15. Review status: criteria provided, single submitter. Criteria: ACMG Guidelines, 2015. Collection method: clinical testing. Allele origin: unknown.